The following is an entry in ClinVar:

ClinVar aggregate classification (germline): Benign/Likely benign. Review status: criteria provided, multiple submitters, no conflicts (2 of 4 stars). 3 submissions from 3 submitters: Benign (1); Likely benign (2). Last evaluated 2025-10-18.

Allele frequency attached by ClinVar (database versions not stated): 1000 Genomes Project 30x 0.00031; 1000 Genomes Project 0.00040; gnomAD 0.00119; TOPMed 0.00122; ExAC 0.00124; ESP Exome Variant Server 0.00154.
gnomAD v4.1: 3,438 of 1,614,122 alleles (0.21%); highest among the groups gnomAD compares: Non-Finnish European, 0.28%; 11 homozygotes.

Submissions (3):

Labcorp Genetics (formerly Invitae), Labcorp
Classification: Benign. Last evaluated: 2025-10-18. Review status: criteria provided, single submitter. Criteria: Invitae Variant Classification Sherloc (09022015). Collection method: clinical testing. Allele origin: germline.

Blueprint Genetics
Classification: Likely benign. Last evaluated: 2024-11-15. Review status: criteria provided, single submitter. Criteria: ACMG Guidelines, 2015. Collection method: clinical testing. Allele origin: germline.

CeGaT Center for Human Genetics Tuebingen
Classification: Likely benign. Last evaluated: 2024-08-01. Review status: criteria provided, single submitter. Criteria: CeGaT Center For Human Genetics Tuebingen Variant Classification Criteria Version 2. Collection method: clinical testing. Allele origin: germline. Affected: yes. Observed: 6 variant alleles.
Comment: FAT2: BP4, BP7

NM_001447.3(FAT2):c.3384G>T (p.Thr1128=)

Gene: FAT2 (FAT atypical cadherin 2; minus strand). Cytogenetic location: 5q33.1.
Variant type: single nucleotide variant.
Coding change: c.3384G>T on transcript NM_001447.3 (MANE Select); coding-DNA position 3384, G replaced by T.
Protein change: p.Thr1128=; no amino-acid change (threonine 1128 retained).
Molecular consequence: synonymous variant.
Genome position (GRCh38, 1-based): chr5:151,563,515, C>A on the plus strand (G>T on the coding strand, the complement: FAT2 is on the minus strand). VCF-style: chr5-151563515-C-A. GRCh37 (hg19) VCF-style: chr5-150943076-C-A.
Identifiers: ClinVar variation 2052406 (VCV002052406.29), dbSNP rs137865400, ClinGen allele CA3521847.